The following is an entry in ClinVar:

NM_020928.2(ZSWIM6):c.2401A>G (p.Thr801Ala)

Gene: ZSWIM6 (zinc finger SWIM-type containing 6; plus strand). Cytogenetic location: 5q12.1.
Variant type: single nucleotide variant.
Coding change: c.2401A>G on transcript NM_020928.2 (MANE Select); coding-DNA position 2401, A replaced by G.
Protein change: p.Thr801Ala; replaces threonine 801 with alanine.
Molecular consequence: missense variant.
Genome position (GRCh38, 1-based): chr5:61,538,833, A>G. VCF-style: chr5-61538833-A-G. GRCh37 (hg19) VCF-style: chr5-60834660-A-G.
Other names: short protein forms T801A.
Identifiers: ClinVar variation 1355927 (VCV001355927.8), dbSNP rs1020311729, ClinGen allele CA119663786.

ClinVar aggregate classification (germline): Uncertain significance (1 of 4 stars; one submission).

Allele frequency attached by ClinVar (database versions not stated): gnomAD exomes below 0.00001 and 0.00001; gnomAD 0.00002 and 0.00003; TOPMed 0.00003.
gnomAD v4.1: 5 of 1,551,856 alleles (0.00032%); highest among the groups gnomAD compares: South Asian, 0.0012%; no homozygotes.

Submission:

Labcorp Genetics (formerly Invitae), Labcorp
Classification: Uncertain significance. Last evaluated: 2024-03-28. Review status: criteria provided, single submitter. Criteria: Invitae Variant Classification Sherloc (09022015). Collection method: clinical testing. Allele origin: germline.
Comment: This sequence change replaces threonine, which is neutral and polar, with alanine, which is neutral and non-polar, at codon 801 of the ZSWIM6 protein (p.Thr801Ala). The frequency data for this variant in the population databases is considered unreliable, as metrics indicate poor data quality at this position in the gnomAD database. This variant has not been reported in the literature in individuals affected with ZSWIM6-related conditions. ClinVar contains an entry for this variant (Variation ID: 1355927). Advanced modeling of protein sequence and biophysical properties (such as structural, functional, and spatial information, amino acid conservation, physicochemical variation, residue mobility, and thermodynamic stability) performed at Invitae indicates that this missense variant is not expected to disrupt ZSWIM6 protein function with a negative predictive value of 80%. In summary, the available evidence is currently insufficient to determine the role of this variant in disease. Therefore, it has been classified as a Variant of Uncertain Significance.